The following is an entry in ClinVar:

NM_153000.5(APCDD1):c.242G>A (p.Gly81Asp)

Gene: APCDD1 (APC down-regulated 1; plus strand). Cytogenetic location: 18p11.22.
Variant type: single nucleotide variant.
Coding change: c.242G>A on transcript NM_153000.5 (MANE Select); coding-DNA position 242, G replaced by A.
Protein change: p.Gly81Asp; replaces glycine 81 with aspartic acid.
Molecular consequence: missense variant.
Genome position (GRCh38, 1-based): chr18:10,468,652, G>A. VCF-style: chr18-10468652-G-A. GRCh37 (hg19) VCF-style: chr18-10468649-G-A.
Other names: short protein forms G81D.
Identifiers: ClinVar variation 2813197 (VCV002813197.3), dbSNP rs2030776317, ClinGen allele CA401899124.

ClinVar aggregate classification (germline): Uncertain significance (1 of 4 stars; one submission).

Allele frequency attached by ClinVar (database versions not stated): gnomAD exomes below 0.00001; TOPMed below 0.00001.
gnomAD v4.1: 1 of 1,613,374 alleles (0.000062%); highest among the groups gnomAD compares: Non-Finnish European, 0.000085%; no homozygotes.

Submission:

Labcorp Genetics (formerly Invitae), Labcorp
Classification: Uncertain significance. Last evaluated: 2023-04-07. Review status: criteria provided, single submitter. Criteria: Invitae Variant Classification Sherloc (09022015). Collection method: clinical testing. Allele origin: germline.
Comment: In summary, the available evidence is currently insufficient to determine the role of this variant in disease. Therefore, it has been classified as a Variant of Uncertain Significance. Variants that disrupt the consensus splice site are a relatively common cause of aberrant splicing (PMID: 17576681, 9536098). Algorithms developed to predict the effect of sequence changes on RNA splicing suggest that this variant may disrupt the consensus splice site. An algorithm developed to predict the effect of missense changes on protein structure and function (PolyPhen-2) suggests that this variant is likely to be disruptive. This variant has not been reported in the literature in individuals affected with APCDD1-related conditions. This variant is not present in population databases (gnomAD no frequency). This sequence change replaces glycine, which is neutral and non-polar, with aspartic acid, which is acidic and polar, at codon 81 of the APCDD1 protein (p.Gly81Asp). This variant also falls at the last nucleotide of exon 2, which is part of the consensus splice site for this exon.

Literature cited by the submitters: PubMed 17576681; PubMed 9536098.